The following is an entry in ClinVar:

ClinVar aggregate classification (germline): Benign/Likely benign. Review status: criteria provided, multiple submitters, no conflicts (2 of 4 stars). 4 submissions from 4 submitters: Benign (1); Likely benign (3). Last evaluated 2025-01-14.

Conditions:
Hereditary cancer-predisposing syndrome. Also called: Hereditary Cancer Syndrome; Neoplastic Syndromes, Hereditary; Tumor predisposition; Hereditary neoplastic syndrome. Identifiers: Orphanet 140162, MedGen C0027672, MeSH D009386, MONDO:0015356.
Familial cancer of breast. Also called: BREAST CANCER, FAMILIAL; Hereditary breast cancer; hereditary breast carcinoma. Identifiers: Orphanet 227535, MedGen C0346153, MONDO:0016419, OMIM 114480. Disease mechanism: loss of function.

Allele frequency attached by ClinVar (database versions not stated): TOPMed below 0.00001.

Submissions (4):

Myriad Genetics, Inc.
Classification: Benign for Familial cancer of breast. Last evaluated: 2025-01-14. Review status: criteria provided, single submitter. Criteria: Myriad Autosomal Dominant, Autosomal Recessive and X-Linked Classification Criteria (2023). Collection method: clinical testing. Allele origin: unknown.
Comment: This variant is considered benign. This variant is a silent/synonymous amino acid change and it is not expected to impact splicing.

Labcorp Genetics (formerly Invitae), Labcorp
Classification: Likely benign for Familial cancer of breast. Last evaluated: 2024-12-23. Review status: criteria provided, single submitter. Criteria: Invitae Variant Classification Sherloc (09022015). Collection method: clinical testing. Allele origin: germline.

Women's Health and Genetics/Laboratory Corporation of America, LabCorp
Classification: Likely benign. Last evaluated: 2019-08-29. Review status: criteria provided, single submitter. Criteria: LabCorp Variant Classification Summary - May 2015. Collection method: clinical testing. Allele origin: germline.

Ambry Genetics
Classification: Likely benign for Hereditary cancer-predisposing syndrome. Last evaluated: 2017-04-10. Review status: criteria provided, single submitter. Criteria: Ambry Variant Classification Scheme 2023. Collection method: clinical testing. Allele origin: germline.

NM_024675.4(PALB2):c.1821C>T (p.Leu607=)

Gene: PALB2 (partner and localizer of BRCA2; minus strand). Cytogenetic location: 16p12.2.
Variant type: single nucleotide variant.
Coding change: c.1821C>T on transcript NM_024675.4 (MANE Select); coding-DNA position 1821, C replaced by T.
Protein change: p.Leu607=; no amino-acid change (leucine 607 retained).
Molecular consequence: synonymous variant.
Genome position (GRCh38, 1-based): chr16:23,630,333, G>A on the plus strand (C>T on the coding strand, the complement: PALB2 is on the minus strand). VCF-style: chr16-23630333-G-A. GRCh37 (hg19) VCF-style: chr16-23641654-G-A.
Identifiers: ClinVar variation 480288 (VCV000480288.10), dbSNP rs1555460634, ClinGen allele CA494461341.